The following is an entry in ClinVar:

ClinVar aggregate classification (germline): Benign/Likely benign. Review status: criteria provided, multiple submitters, no conflicts (2 of 4 stars). 16 submissions from 15 submitters: Benign (7); Likely benign (4). 5 of the submissions do not count toward it. Last evaluated 2026-04-01.

Conditions:
NOTCH1-related disorder. Also called: NOTCH1-related condition; NOTCH1-related disorders.
Adams-Oliver syndrome 5 (AOS5). Identifiers: Orphanet 974, MedGen C4014970, MONDO:0014459, OMIM 616028.
Familial thoracic aortic aneurysm and aortic dissection (TAAD). Also called: Thoracic aortic aneurysms and dissections. Identifiers: Orphanet 91387, MedGen C4707243, MONDO:0019625.
Aortic valve disease 1 (AOVD1). Identifiers: MedGen C3887892, MONDO:0024523, OMIM 109730.

Allele frequency attached by ClinVar (database versions not stated): 1000 Genomes Project 0.00040; 1000 Genomes Project 30x 0.00047; gnomAD 0.00071 and 0.00074; TOPMed 0.00090; ExAC 0.00093; ESP Exome Variant Server 0.00095; gnomAD exomes 0.00096.
gnomAD v4.1: 1,028 of 1,610,804 alleles (0.064%); highest among the groups gnomAD compares: Middle Eastern, 0.32%; 4 homozygotes.

Submissions (16):

CeGaT Center for Human Genetics Tuebingen
Classification: Benign. Last evaluated: 2026-04-01. Review status: criteria provided, single submitter. Criteria: CeGaT Center For Human Genetics Tuebingen Variant Classification Criteria Version 2. Collection method: clinical testing. Allele origin: germline. Affected: yes. Observed: 10 variant alleles.
Comment: NOTCH1: BS1, BS2

Labcorp Genetics (formerly Invitae), Labcorp
Classification: Likely benign for Adams-Oliver syndrome 5. Last evaluated: 2026-02-02. Review status: criteria provided, single submitter. Criteria: Invitae Variant Classification Sherloc (09022015). Collection method: clinical testing. Allele origin: germline.

Mayo Clinic Laboratories, Mayo Clinic
Classification: Likely benign. Last evaluated: 2025-07-16. Review status: criteria provided, single submitter. Criteria: ACMG Guidelines, 2015. Collection method: clinical testing. Allele origin: germline. Observed: 4 variant alleles.
Comment: BS1, BS2_supporting

Blueprint Genetics
Classification: Benign. Last evaluated: 2024-10-23. Review status: criteria provided, single submitter. Criteria: ACMG Guidelines, 2015. Collection method: clinical testing. Allele origin: germline.

Women's Health and Genetics/Laboratory Corporation of America, LabCorp
Classification: Likely benign. Last evaluated: 2023-07-21. Review status: criteria provided, single submitter. Criteria: LabCorp Variant Classification Summary - May 2015. Collection method: clinical testing. Allele origin: germline.

Genome-Nilou Lab
Classification: Benign for Adams-Oliver syndrome 5. Last evaluated: 2022-03-15. Review status: criteria provided, single submitter. Criteria: ACMG Guidelines, 2015. Collection method: clinical testing. Allele origin: germline. Affected: no.

Genome-Nilou Lab
Classification: Benign for Aortic valve disease 1. Last evaluated: 2022-03-15. Review status: criteria provided, single submitter. Criteria: ACMG Guidelines, 2015. Collection method: clinical testing. Allele origin: germline. Affected: no.

GeneDx
Classification: Likely benign. Last evaluated: 2020-09-04. Review status: criteria provided, single submitter. Criteria: GeneDx Variant Classification Process June 2021. Collection method: clinical testing. Allele origin: germline. Affected: yes.
Comment: This variant is associated with the following publications: (PMID: 28991257)

CHEO Genetics Diagnostic Laboratory, Children's Hospital of Eastern Ontario
Classification: Benign for Familial thoracic aortic aneurysm and aortic dissection. Last evaluated: 2018-07-30. Review status: criteria provided, single submitter. Criteria: ACMG Guidelines, 2015. Collection method: clinical testing. Allele origin: germline.

Eurofins Ntd Llc (ga)
Classification: Benign. Last evaluated: 2018-07-11. Review status: criteria provided, single submitter. Criteria: EGL ClinVar v180209 classification definitions. Collection method: clinical testing. Allele origin: germline. Observed: 1 variant allele, 1 heterozygote.

Ambry Genetics
Classification: Benign for Familial thoracic aortic aneurysm and aortic dissection. Last evaluated: 2017-11-20. Review status: criteria provided, single submitter. Criteria: Ambry Variant Classification Scheme 2023. Collection method: clinical testing. Allele origin: germline.

PreventionGenetics, part of Exact Sciences
Classification: Likely benign for NOTCH1-related condition. Last evaluated: 2019-03-06. Review status: no assertion criteria provided. Collection method: clinical testing. Allele origin: germline. Not counted in ClinVar's aggregate classification.
Comment: This variant is classified as likely benign based on ACMG/AMP sequence variant interpretation guidelines (Richards et al. 2015 PMID: 25741868, with internal and published modifications).

ITMI
No classification provided. Condition: AllHighlyPenetrant. Last evaluated: 2013-09-19. Review status: no classification provided. Collection method: reference population. Allele origin: germline. Not counted in ClinVar's aggregate classification.
Comment: Please see associated publication for description of ethnicities

Clinical Genetics DNA and cytogenetics Diagnostics Lab, Erasmus MC, Erasmus Medical Center
Classification: Likely benign. Review status: no assertion criteria provided. Collection method: clinical testing. Allele origin: germline. Affected: yes. Study: VKGL Data-share Consensus. Not counted in ClinVar's aggregate classification.

Genome Diagnostics Laboratory, Amsterdam University Medical Center
Classification: Likely benign. Review status: no assertion criteria provided. Collection method: clinical testing. Allele origin: germline. Affected: yes. Study: VKGL Data-share Consensus. Not counted in ClinVar's aggregate classification.

Laboratory of Diagnostic Genome Analysis, Leiden University Medical Center (LUMC)
Classification: Likely benign. Review status: no assertion criteria provided. Collection method: clinical testing. Allele origin: germline. Affected: yes. Study: VKGL Data-share Consensus. Not counted in ClinVar's aggregate classification.

Literature cited by the submitters: PubMed 24943832 (cited by Women's Health and Genetics/Laboratory Corporation of America, LabCorp); PubMed 16614245 (cited by Women's Health and Genetics/Laboratory Corporation of America, LabCorp); PubMed 21670202 (cited by Women's Health and Genetics/Laboratory Corporation of America, LabCorp); PubMed 22210878 (cited by Women's Health and Genetics/Laboratory Corporation of America, LabCorp); PubMed 19635999 (cited by Women's Health and Genetics/Laboratory Corporation of America, LabCorp); PubMed 26837699 (cited by Women's Health and Genetics/Laboratory Corporation of America, LabCorp); PubMed 23086750 (cited by Women's Health and Genetics/Laboratory Corporation of America, LabCorp); PubMed 19245433 (cited by Women's Health and Genetics/Laboratory Corporation of America, LabCorp); PubMed 22077063 (cited by Women's Health and Genetics/Laboratory Corporation of America, LabCorp); PubMed 15472075 (cited by Women's Health and Genetics/Laboratory Corporation of America, LabCorp); PubMed 23734977 (cited by Women's Health and Genetics/Laboratory Corporation of America, LabCorp); PubMed 22858860 (cited by Women's Health and Genetics/Laboratory Corporation of America, LabCorp); PubMed 24728327 (cited by Ambry Genetics and ITMI).

NM_017617.5(NOTCH1):c.368C>T (p.Thr123Met)

Gene: NOTCH1 (notch receptor 1; minus strand). Cytogenetic location: 9q34.3.
Variant type: single nucleotide variant.
Coding change: c.368C>T on transcript NM_017617.5 (MANE Select); coding-DNA position 368, C replaced by T.
Protein change: p.Thr123Met; replaces threonine 123 with methionine.
Molecular consequence: missense variant.
Genome position (GRCh38, 1-based): chr9:136,523,752, G>A on the plus strand (C>T on the coding strand, the complement: NOTCH1 is on the minus strand). VCF-style: chr9-136523752-G-A. GRCh37 (hg19) VCF-style: chr9-139418204-G-A.
Other names: p.Thr123Met; c.368C>T, p.Thr123Met (LRG_1122t1); c.368C>T (NM_017617.4); short protein forms T123M.
Identifiers: ClinVar variation 134944 (VCV000134944.53), dbSNP rs187473846, ClinGen allele CA161215.
Genomic context (GRCh38, chr9:136,523,752, plus strand): 5'-CCTCAGGCTGTGGGTCCTCCCTCACCTGACCAGCCGGGCGGGCAGCGGCACTTGTACTCC[G>A]TCAGCGTGAGCAGGTCGCAGGTGCCCCCGTTGCGGCAGGGGTTGGTGAGGCAGGCATTGT-3'
Protein context (NP_060087.3, residues 113-133): NGGTCDLLTL[Thr123Met]EYKCRCPPGW